The following is an entry in ClinVar:

ClinVar aggregate classification (germline): Uncertain significance (1 of 4 stars; one submission).

Allele frequency attached by ClinVar (database versions not stated): gnomAD 0.00002; TOPMed 0.00002; gnomAD exomes 0.00001.
gnomAD v4.1: 13 of 1,613,638 alleles (0.00081%); highest among the groups gnomAD compares: Admixed American, 0.0017%; no homozygotes.

Submission:

Labcorp Genetics (formerly Invitae), Labcorp
Classification: Uncertain significance. Last evaluated: 2025-07-28. Review status: criteria provided, single submitter. Criteria: Invitae Variant Classification Sherloc (09022015). Collection method: clinical testing. Allele origin: germline.
Comment: This sequence change replaces alanine, which is neutral and non-polar, with proline, which is neutral and non-polar, at codon 342 of the SLC25A24 protein (p.Ala342Pro). This variant is present in population databases (no rsID available, gnomAD 0.003%). This variant has not been reported in the literature in individuals affected with SLC25A24-related conditions. ClinVar contains an entry for this variant (Variation ID: 2993232). Invitae Evidence Modeling of protein sequence and biophysical properties (such as structural, functional, and spatial information, amino acid conservation, physicochemical variation, residue mobility, and thermodynamic stability) has been performed for this missense variant. However, the output from this modeling did not meet the statistical confidence thresholds required to predict the impact of this variant on SLC25A24 protein function. In summary, the available evidence is currently insufficient to determine the role of this variant in disease. Therefore, it has been classified as a Variant of Uncertain Significance.

NM_013386.5(SLC25A24):c.1024G>C (p.Ala342Pro)

Gene: SLC25A24 (solute carrier family 25 member 24; minus strand). Cytogenetic location: 1p13.3.
Variant type: single nucleotide variant.
Coding change: c.1024G>C on transcript NM_013386.5 (MANE Select); coding-DNA position 1024, G replaced by C.
Protein change: p.Ala342Pro; replaces alanine 342 with proline.
Molecular consequence: missense variant.
Genome position (GRCh38, 1-based): chr1:108,143,617, C>G on the plus strand (G>C on the coding strand, the complement: SLC25A24 is on the minus strand). VCF-style: chr1-108143617-C-G. GRCh37 (hg19) VCF-style: chr1-108686239-C-G.
Other names: c.967G>C, p.Ala323Pro (NM_213651.3); short protein forms A323P, A342P.
Identifiers: ClinVar variation 2993232 (VCV002993232.3), dbSNP rs1338033505, ClinGen allele CA341188733.